The following is an entry in ClinVar:

ClinVar aggregate classification (germline): Uncertain significance (1 of 4 stars; one submission).

Conditions:
5-Oxoprolinase deficiency (OPLAHD). Also called: 5-OXOPROLINURIA DUE TO 5-OXOPROLINASE DEFICIENCY. Identifiers: Orphanet 33572, MedGen C0268525, MONDO:0009825, OMIM 260005, HP:0040142.

Allele frequency attached by ClinVar (database versions not stated): gnomAD 0.00001 and 0.00002; TOPMed 0.00002; ExAC 0.00012; 1000 Genomes Project 30x 0.00016; 1000 Genomes Project 0.00020.

Submission:

Labcorp Genetics (formerly Invitae), Labcorp
Classification: Uncertain significance for 5-Oxoprolinase deficiency. Last evaluated: 2022-07-19. Review status: criteria provided, single submitter. Criteria: Invitae Variant Classification Sherloc (09022015). Collection method: clinical testing. Allele origin: germline.
Comment: ClinVar contains an entry for this variant (Variation ID: 1436419). Algorithms developed to predict the effect of missense changes on protein structure and function are either unavailable or do not agree on the potential impact of this missense change (SIFT: "Not Available"; PolyPhen-2: "Probably Damaging"; Align-GVGD: "Not Available"). In summary, the available evidence is currently insufficient to determine the role of this variant in disease. Therefore, it has been classified as a Variant of Uncertain Significance. The frequency data for this variant in the population databases is considered unreliable, as metrics indicate poor data quality at this position in the gnomAD database. This sequence change replaces arginine with histidine at codon 744 of the OPLAH protein (p.Arg744His). The arginine residue is highly conserved and there is a small physicochemical difference between arginine and histidine. This variant has not been reported in the literature in individuals affected with OPLAH-related conditions.

NM_017570.5(OPLAH):c.2231G>A (p.Arg744His)

Gene: OPLAH (5-oxoprolinase, ATP-hydrolysing; minus strand). Cytogenetic location: 8q24.3.
Variant type: single nucleotide variant.
Coding change: c.2231G>A on transcript NM_017570.5 (MANE Select); coding-DNA position 2231, G replaced by A.
Protein change: p.Arg744His; replaces arginine 744 with histidine.
Molecular consequence: missense variant.
Genome position (GRCh38, 1-based): chr8:144,055,805, C>T on the plus strand (G>A on the coding strand, the complement: OPLAH is on the minus strand). VCF-style: chr8-144055805-C-T. GRCh37 (hg19) VCF-style: chr8-145110708-C-T.
Other names: short protein forms R744H.
Identifiers: ClinVar variation 1436419 (VCV001436419.8), dbSNP rs565620541, ClinGen allele CA4931539.